The following is an entry in ClinVar:

NM_001033855.3(DCLRE1C):c.1489_1490insCACTTTGGGAGGCCGAGGCGGGCGGATCACGAGGTCAGGAGATCGAGACCACGGTGAAACCCCGTCTCTACTAANNNNNNNNNNAAAAAAAAAAAAAAAAAAAAAAAAGAAATG (p.Asp497delinsAlaLeuTrpGluAlaGluAlaGlyGlySerArgGlyGlnGluIleGluThrThrValLysProArgLeuTyrTer)

Gene: DCLRE1C (DNA cross-link repair 1C; minus strand). Cytogenetic location: 10p13.
Variant type: Insertion.
Coding change: c.1489_1490insCACTTTGGGAGGCCGAGGCGGGCGGATCACGAGGTCAGGAGATCGAGACCACGGTGAAACCCCGTCTCTACTAANNNNNNNNNNAAAAAAAAAAAAAAAAAAAAAAAAGAAATG on transcript NM_001033855.3 (MANE Select); coding-DNA positions 1489 to 1490, CACTTTGGGAGGCCGAGGCGGGCGGATCACGAGGTCAGGAGATCGAGACCACGGTGAAACCCCGTCTCTACTAANNNNNNNNNNAAAAAAAAAAAAAAAAAAAAAAAAGAAATG inserted.
Protein change: p.Asp497delinsAlaLeuTrpGluAlaGluAlaGlyGlySerArgGlyGlnGluIleGluThrThrValLysProArgLeuTyrTer.
Molecular consequence: nonsense. On other transcripts: non-coding transcript variant (4).
Genome position: GRCh38: chr10:14,909,007-14,909,008. GRCh37 (hg19): chr10:14,951,006-14,951,007.
Other names: c.1129_1130insCACTTTGGGAGGCCGAGGCGGGCGGATCACGAGGTCAGGAGATCGAGACCACGGTGAAACCCCGTCTCTACTAANNNNNNNNNNAAAAAAAAAAAAAAAAAAAAAAAAGAAATG, p.Asp377delinsAlaLeuTrpGluAlaGluAlaGlyGlySerArgGlyGlnGluIleGluThrThrValLysProArgLeuTyrTer (NM_001033857.3, NM_001033858.3, NM_001289077.2 and 2 more transcripts); c.1144_1145insCACTTTGGGAGGCCGAGGCGGGCGGATCACGAGGTCAGGAGATCGAGACCACGGTGAAACCCCGTCTCTACTAANNNNNNNNNNAAAAAAAAAAAAAAAAAAAAAAAAGAAATG, p.Asp382delinsAlaLeuTrpGluAlaGluAlaGlyGlySerArgGlyGlnGluIleGluThrThrValLysProArgLeuTyrTer (NM_001289076.2, NM_001289078.2, NM_001350966.2 and 1 more transcripts); c.1489_1490insCACTTTGGGAGGCCGAGGCGGGCGGATCACGAGGTCAGGAGATCGAGACCACGGTGAAACCCCGTCTCTACTAANNNNNNNNNNAAAAAAAAAAAAAAAAAAAAAAAAGAAATG, p.Asp497delinsAlaLeuTrpGluAlaGluAlaGlyGlySerArgGlyGlnGluIleGluThrThrValLysProArgLeuTyrTer (NM_001350965.2).
Identifiers: ClinVar variation 2124833 (VCV002124833.4), dbSNP rs2491630672.

ClinVar aggregate classification (germline): Pathogenic (1 of 4 stars; one submission).

Conditions:
Severe combined immunodeficiency due to DCLRE1C deficiency (RS-SCID). Also called: SCID, AUTOSOMAL RECESSIVE, T CELL-NEGATIVE, B CELL-NEGATIVE, NK CELL-POSITIVE, WITH SENSITIVITY TO IONIZING RADIATION. Identifiers: Orphanet 275, MedGen C1865371, MONDO:0011225, OMIM 602450.

Submission:

Labcorp Genetics (formerly Invitae), Labcorp
Classification: Pathogenic for Athabaskan severe combined immunodeficiency. Last evaluated: 2022-04-11. Review status: criteria provided, single submitter. Criteria: Invitae Variant Classification Sherloc (09022015). Collection method: clinical testing. Allele origin: germline.
Comment: For these reasons, this variant has been classified as Pathogenic. This sequence change inserts a large fragment of DNA, likely a transposable element, in exon 14 of the DCLRE1C gene (c.1489_1490ins?), causing a frameshift at codon 496 (p.Asn496fs). The exact size and sequence of the insertion cannot be determined by the current assay. However, the insertion is expected to result in an absent or disrupted protein product. This variant is not present in population databases (gnomAD no frequency). This variant has not been reported in the literature in individuals affected with DCLRE1C-related conditions. Retrotransposon insertions including LINE1 (L1), Alu, and SVA (SINE-VNTR-Alu) have been reported to be disease-causing through disruption of either a coding region or splice site (PMID: 19763152, 20307669, 22406018) and loss-of-function variants in DCLRE1C are known to be pathogenic (PMID: 21664875, 26123418).

Literature cited by the submitters: PubMed 19763152; PubMed 20307669; PubMed 22406018; PubMed 21664875; PubMed 26123418.